The following is an entry in ClinVar:

NM_005732.4(RAD50):c.724A>G (p.Lys242Glu)

Gene: RAD50 (RAD50 double strand break repair protein; plus strand). Cytogenetic location: 5q31.1.
Variant type: single nucleotide variant.
Coding change: c.724A>G on transcript NM_005732.4 (MANE Select); coding-DNA position 724, A replaced by G.
Protein change: p.Lys242Glu; replaces lysine 242 with glutamic acid.
Molecular consequence: missense variant.
Genome position (GRCh38, 1-based): chr5:132,580,034, A>G. VCF-style: chr5-132580034-A-G. GRCh37 (hg19) VCF-style: chr5-131915726-A-G.
Other names: short protein forms K242E.
Identifiers: ClinVar variation 231534 (VCV000231534.14), dbSNP rs149330168, ClinGen allele CA10578496.

ClinVar aggregate classification (germline): Uncertain significance. Review status: criteria provided, multiple submitters, no conflicts (2 of 4 stars). 2 submissions from 2 submitters: Uncertain significance (2). Last evaluated 2024-12-10.

Conditions:
Hereditary cancer-predisposing syndrome. Also called: Neoplastic Syndromes, Hereditary; Tumor predisposition; Hereditary Cancer Syndrome; Hereditary neoplastic syndrome. Identifiers: Orphanet 140162, MedGen C0027672, MeSH D009386, MONDO:0015356.

Allele frequency attached by ClinVar (database versions not stated): gnomAD exomes below 0.00001; ESP Exome Variant Server 0.00008.

Submissions (2):

Ambry Genetics
Classification: Uncertain significance for Hereditary cancer-predisposing syndrome. Last evaluated: 2024-12-10. Review status: criteria provided, single submitter. Criteria: Ambry Variant Classification Scheme 2023. Collection method: clinical testing. Allele origin: germline.
Comment: The p.K242E variant (also known as c.724A>G), located in coding exon 5 of the RAD50 gene, results from an A to G substitution at nucleotide position 724. The lysine at codon 242 is replaced by glutamic acid, an amino acid with similar properties. This amino acid position is well conserved through reptiles. In addition, this alteration is predicted to be tolerated by in silico analysis. Since supporting evidence is limited at this time, the clinical significance of this alteration remains unclear.

Labcorp Genetics (formerly Invitae), Labcorp
Classification: Uncertain significance for Hereditary cancer-predisposing syndrome. Last evaluated: 2021-01-30. Review status: criteria provided, single submitter. Criteria: Invitae Variant Classification Sherloc (09022015). Collection method: clinical testing. Allele origin: germline.
Comment: In summary, the available evidence is currently insufficient to determine the role of this variant in disease. Therefore, it has been classified as a Variant of Uncertain Significance. Algorithms developed to predict the effect of missense changes on protein structure and function (SIFT, PolyPhen-2, Align-GVGD) all suggest that this variant is likely to be tolerated, but these predictions have not been confirmed by published functional studies and their clinical significance is uncertain. This variant has not been reported in the literature in individuals with RAD50-related conditions. ClinVar contains an entry for this variant (Variation ID: 231534). This variant is not present in population databases (ExAC no frequency). This sequence change replaces lysine with glutamic acid at codon 242 of the RAD50 protein (p.Lys242Glu). The lysine residue is moderately conserved and there is a small physicochemical difference between lysine and glutamic acid.